The following is an entry in ClinVar:

ClinVar aggregate classification (germline): Uncertain significance (1 of 4 stars; one submission).

Conditions:
Hereditary cancer-predisposing syndrome. Also called: Hereditary Cancer Syndrome; Neoplastic Syndromes, Hereditary; Tumor predisposition; Hereditary neoplastic syndrome. Identifiers: Orphanet 140162, MedGen C0027672, MeSH D009386, MONDO:0015356.

Submission:

Ambry Genetics
Classification: Uncertain significance for Hereditary cancer-predisposing syndrome. Last evaluated: 2020-10-09. Review status: criteria provided, single submitter. Criteria: Ambry Variant Classification Scheme 2023. Collection method: clinical testing. Allele origin: germline.
Comment: The p.G163A variant (also known as c.488G>C), located in coding exon 2 of the MEN1 gene, results from a G to C substitution at nucleotide position 488. The glycine at codon 163 is replaced by alanine, an amino acid with similar properties. This amino acid position is well conserved in available vertebrate species. In addition, the in silico prediction for this alteration is inconclusive. Since supporting evidence is limited at this time, the clinical significance of this alteration remains unclear.

NM_001370259.2(MEN1):c.488G>C (p.Gly163Ala)

Gene: MEN1 (menin 1; minus strand). Cytogenetic location: 11q13.1.
Variant type: single nucleotide variant.
Coding change: c.488G>C on transcript NM_001370259.2 (MANE Select); coding-DNA position 488, G replaced by C.
Protein change: p.Gly163Ala; replaces glycine 163 with alanine.
Molecular consequence: missense variant.
Genome position (GRCh38, 1-based): chr11:64,808,057, C>G on the plus strand (G>C on the coding strand, the complement: MEN1 is on the minus strand). VCF-style: chr11-64808057-C-G. GRCh37 (hg19) VCF-style: chr11-64575529-C-G.
Other names: c.503G>C, p.Gly168Ala (NM_001407145.1, NM_000244.4, NM_001407150.1 and 5 more transcripts); c.488G>C, p.Gly163Ala (NM_001407147.1, NM_001407148.1, NM_001407149.1 and 12 more transcripts); short protein forms G168A, G163A.
Identifiers: ClinVar variation 1743854 (VCV001743854.2), dbSNP rs779453768, ClinGen allele CA381186130.